The following is an entry in ClinVar:

ClinVar aggregate classification (germline): Benign/Likely benign. Review status: criteria provided, multiple submitters, no conflicts (2 of 4 stars). 5 submissions from 5 submitters: Benign (3); Likely benign (2). Last evaluated 2025-12-10.

Conditions:
Glomerulopathy with fibronectin deposits 2 (GFND2). Identifiers: Orphanet 84090, MedGen C1866075, MONDO:0011165, OMIM 601894.
Spondylometaphyseal dysplasia - Sutcliffe type. Also called: Spondylometaphyseal dysplasia, 'corner fracture' type; Spondylometaphyseal Dysplasia, Corner Fracture Type; Sutcliffe type of spondylometaphyseal dysplasia; Sutcliffe SMD. Identifiers: Orphanet 93315, MedGen C0432221, MONDO:0008479, OMIM 184255.

Allele frequency attached by ClinVar (database versions not stated): gnomAD exomes 0.00076; ExAC 0.00094; ESP Exome Variant Server 0.00277; gnomAD 0.00277 and 0.00296; TOPMed 0.00308; 1000 Genomes Project 0.00319; 1000 Genomes Project 30x 0.00344.
gnomAD v4.1: 810 of 1,614,158 alleles (0.05%); highest among the groups gnomAD compares: African/African-American, 0.97%; 5 homozygotes.

Submissions (5):

Labcorp Genetics (formerly Invitae), Labcorp
Classification: Benign. Last evaluated: 2025-12-10. Review status: criteria provided, single submitter. Criteria: Invitae Variant Classification Sherloc (09022015). Collection method: clinical testing. Allele origin: germline.

Blueprint Genetics
Classification: Likely benign. Last evaluated: 2024-03-13. Review status: criteria provided, single submitter. Criteria: ACMG Guidelines, 2015. Collection method: clinical testing. Allele origin: germline.

Fulgent Genetics
Classification: Benign for Spondylometaphyseal dysplasia - Sutcliffe type; Glomerulopathy with fibronectin deposits 2. Last evaluated: 2021-07-20. Review status: criteria provided, single submitter. Criteria: ACMG Guidelines, 2015. Collection method: clinical testing. Allele origin: unknown.

GeneDx
Classification: Likely benign. Last evaluated: 2021-05-03. Review status: criteria provided, single submitter. Criteria: GeneDx Variant Classification Process June 2021. Collection method: clinical testing. Allele origin: germline. Affected: yes.
Comment: See Variant Classification Assertion Criteria.

Breakthrough Genomics
Classification: Benign. Review status: criteria provided, single submitter. Criteria: ACMG Guidelines, 2015. Collection method: not provided. Allele origin: germline. Inheritance: Autosomal dominant inheritance. Affected: yes.

NM_212482.4(FN1):c.4146A>G (p.Pro1382=)

Genes: FN1 (fibronectin 1; minus strand), LOC126806497 (BRD4-independent group 4 enhancer GRCh37_chr2:216255920-216257119; plus strand). Cytogenetic location: 2q35.
Variant type: single nucleotide variant.
Coding change: c.4146A>G on transcript NM_212482.4 (MANE Select); coding-DNA position 4146, A replaced by G.
Protein change: p.Pro1382=; no amino-acid change (proline 1382 retained).
Molecular consequence: synonymous variant.
Genome position (GRCh38, 1-based): chr2:215,391,738, T>C on the plus strand (A>G on the coding strand, the complement: FN1 is on the minus strand). VCF-style: chr2-215391738-T-C. GRCh37 (hg19) VCF-style: chr2-216256461-T-C.
Other names: c.4146A>G, p.Pro1382= (NM_001306129.2, NM_001306130.2, NM_001365517.2 and 3 more transcripts); c.3873A>G, p.Pro1291= (NM_001306131.2, NM_001306132.2, NM_001365518.2 and 7 more transcripts).
Identifiers: ClinVar variation 767851 (VCV000767851.15), dbSNP rs114987066, ClinGen allele CA2094509.